The following is an entry in ClinVar:

NM_017433.5(MYO3A):c.2737C>G (p.Arg913Gly)

Gene: MYO3A (myosin IIIA; plus strand). Cytogenetic location: 10p12.1.
Variant type: single nucleotide variant.
Coding change: c.2737C>G on transcript NM_017433.5 (MANE Select); coding-DNA position 2737, C replaced by G.
Protein change: p.Arg913Gly; replaces arginine 913 with glycine.
Molecular consequence: missense variant.
Genome position (GRCh38, 1-based): chr10:26,154,767, C>G. VCF-style: chr10-26154767-C-G. GRCh37 (hg19) VCF-style: chr10-26443696-C-G.
Other names: short protein forms R913G.
Identifiers: ClinVar variation 3348399 (VCV003348399.1).

ClinVar aggregate classification (germline): Uncertain significance (0 of 4 stars; one submission).

Conditions:
MYO3A-related disorder. Also called: MYO3A-related condition.

gnomAD v4.1: 14 of 1,613,736 alleles (0.00087%); highest among the groups gnomAD compares: South Asian, 0.013%; no homozygotes.

Submission:

PreventionGenetics, part of Exact Sciences
Classification: Uncertain significance for MYO3A-related condition. Last evaluated: 2024-04-02. Review status: no assertion criteria provided. Collection method: clinical testing. Allele origin: germline.
Comment: The MYO3A c.2737C>G variant is predicted to result in the amino acid substitution p.Arg913Gly. To our knowledge, this variant has not been reported in the literature. This variant is reported in 0.0065% of alleles in individuals of South Asian descent in gnomAD. At this time, the clinical significance of this variant is uncertain due to the absence of conclusive functional and genetic evidence.